The following is an entry in ClinVar:

ClinVar aggregate classification (germline): Uncertain significance (1 of 4 stars; one submission).

Submission:

CeGaT Center for Human Genetics Tuebingen
Classification: Uncertain significance. Last evaluated: 2024-05-01. Review status: criteria provided, single submitter. Criteria: CeGaT Center For Human Genetics Tuebingen Variant Classification Criteria Version 2. Collection method: clinical testing. Allele origin: germline. Affected: yes. Observed: 1 variant allele.
Comment: PRKAR1B: PM2, PP2

NM_001164760.2(PRKAR1B):c.728G>A (p.Arg243His)

Gene: PRKAR1B (protein kinase cAMP-dependent type I regulatory subunit beta; minus strand). Cytogenetic location: 7p22.3.
Variant type: single nucleotide variant.
Coding change: c.728G>A on transcript NM_001164760.2 (MANE Select); coding-DNA position 728, G replaced by A.
Protein change: p.Arg243His; replaces arginine 243 with histidine.
Molecular consequence: missense variant.
Genome position (GRCh38, 1-based): chr7:584,549, C>T on the plus strand (G>A on the coding strand, the complement: PRKAR1B is on the minus strand). VCF-style: chr7-584549-C-T. GRCh37 (hg19) VCF-style: chr7-624186-C-T.
Other names: c.728G>A, p.Arg243His (NM_001164758.2, NM_001164759.1, NM_001164761.2 and 2 more transcripts); short protein forms R243H.
Identifiers: ClinVar variation 3239429 (VCV003239429.19), dbSNP rs2483151753.